The following is an entry in ClinVar:

ClinVar aggregate classification (germline): Pathogenic. Review status: criteria provided, single submitter (1 of 4 stars). 2 submissions from 2 submitters: Pathogenic (1). 1 of the submissions does not count toward it. Last evaluated 2025-06-16.

Conditions:
MULTIPLE JOINT DISLOCATIONS, SHORT STATURE, AND CRANIOFACIAL DYSMORPHISM WITH CONGENITAL HEART DEFECTS.
Larsen-like syndrome, B3GAT3 type. Also called: MULTIPLE JOINT DISLOCATIONS, SHORT STATURE, AND CRANIOFACIAL DYSMORPHISM WITH OR WITHOUT CONGENITAL HEART DEFECTS; Multiple joint dislocations, short stature, craniofacial dysmorphism, with or without congenital heart defects. Identifiers: Orphanet 284139, MedGen CN034159, MONDO:0009511, OMIM 245600.

Allele frequency attached by ClinVar (database versions not stated): ExAC 0.00001; gnomAD 0.00001 and 0.00002; gnomAD exomes 0.00001; TOPMed 0.00001; ESP Exome Variant Server 0.00008.
gnomAD v4.1: 14 of 1,613,852 alleles (0.00087%); highest among the groups gnomAD compares: Non-Finnish European, 0.0012%; no homozygotes.

Submissions (2):

Labcorp Genetics (formerly Invitae), Labcorp
Classification: Pathogenic for Larsen-like syndrome, B3GAT3 type. Last evaluated: 2025-06-16. Review status: criteria provided, single submitter. Criteria: Invitae Variant Classification Sherloc (09022015). Collection method: clinical testing. Allele origin: germline.
Comment: This sequence change replaces glycine, which is neutral and non-polar, with serine, which is neutral and polar, at codon 223 of the B3GAT3 protein (p.Gly223Ser). This variant is present in population databases (rs372487178, gnomAD 0.002%). This missense change has been observed in individuals with B3GAT3-related conditions (PMID: 26086840, 28771243, 31196143). It has also been observed to segregate with disease in related individuals. ClinVar contains an entry for this variant (Variation ID: 225924). Invitae Evidence Modeling of protein sequence and biophysical properties (such as structural, functional, and spatial information, amino acid conservation, physicochemical variation, residue mobility, and thermodynamic stability) indicates that this missense variant is not expected to disrupt B3GAT3 protein function with a negative predictive value of 80%. For these reasons, this variant has been classified as Pathogenic.

OMIM
Classification: Pathogenic for MULTIPLE JOINT DISLOCATIONS, SHORT STATURE, AND CRANIOFACIAL DYSMORPHISM WITH CONGENITAL HEART DEFECTS. Last evaluated: 2016-05-13. Review status: no assertion criteria provided. Collection method: literature only. Allele origin: germline. Not counted in ClinVar's aggregate classification.

Literature cited by the submitters: PubMed 26086840 (cited by Labcorp Genetics (formerly Invitae), Labcorp and OMIM); PubMed 28771243 (cited by Labcorp Genetics (formerly Invitae), Labcorp); PubMed 31196143 (cited by Labcorp Genetics (formerly Invitae), Labcorp).

NM_012200.4(B3GAT3):c.667G>A (p.Gly223Ser)

Gene: B3GAT3 (beta-1,3-glucuronyltransferase 3; minus strand). Cytogenetic location: 11q12.3.
Variant type: single nucleotide variant.
Coding change: c.667G>A on transcript NM_012200.4 (MANE Select); coding-DNA position 667, G replaced by A.
Protein change: p.Gly223Ser; replaces glycine 223 with serine.
Molecular consequence: missense variant. On other transcripts: non-coding transcript variant (1).
Genome position (GRCh38, 1-based): chr11:62,616,748, C>T on the plus strand (G>A on the coding strand, the complement: B3GAT3 is on the minus strand). VCF-style: chr11-62616748-C-T. GRCh37 (hg19) VCF-style: chr11-62384220-C-T.
Other names: B3GAT3, GLY223SER; c.646G>A, p.Gly216Ser (NM_001288721.2); c.667G>A, p.Gly223Ser (NM_001288722.2, NM_001288723.2); short protein forms G223S, G216S.
Identifiers: ClinVar variation 225924 (VCV000225924.2), dbSNP rs372487178, ClinGen allele CA6050037.